The following is an entry in ClinVar:

ClinVar aggregate classification (germline): Uncertain significance (1 of 4 stars; one submission).

Conditions:
ALG6-congenital disorder of glycosylation 1C (CDG1C). Also called: CDG Ic; Congenital disorder of glycosylation type 1C; Congenital disorder of glycosylation, type Ic; CARBOHYDRATE-DEFICIENT GLYCOPROTEIN SYNDROME, TYPE I, WITH DEFICIENT GLYCOSYLATION OF DOLICHOL-LINKED OLIGOSACCHARIDE; CARBOHYDRATE-DEFICIENT GLYCOPROTEIN SYNDROME, TYPE V. Identifiers: Orphanet 79320, MedGen C2930997, MONDO:0011291, OMIM 603147.

Submission:

Labcorp Genetics (formerly Invitae), Labcorp
Classification: Uncertain significance for ALG6-congenital disorder of glycosylation 1C. Last evaluated: 2022-04-08. Review status: criteria provided, single submitter. Criteria: Invitae Variant Classification Sherloc (09022015). Collection method: clinical testing. Allele origin: germline.
Comment: This variant is not present in population databases (gnomAD no frequency). This variant has not been reported in the literature in individuals affected with ALG6-related conditions. Algorithms developed to predict the effect of missense changes on protein structure and function (SIFT, PolyPhen-2, Align-GVGD) all suggest that this variant is likely to be disruptive. In summary, the available evidence is currently insufficient to determine the role of this variant in disease. Therefore, it has been classified as a Variant of Uncertain Significance. This sequence change replaces proline, which is neutral and non-polar, with threonine, which is neutral and polar, at codon 248 of the ALG6 protein (p.Pro248Thr).

NM_013339.4(ALG6):c.742C>A (p.Pro248Thr)

Gene: ALG6 (ALG6 alpha-1,3-glucosyltransferase; plus strand). Cytogenetic location: 1p31.3.
Variant type: single nucleotide variant.
Coding change: c.742C>A on transcript NM_013339.4 (MANE Select); coding-DNA position 742, C replaced by A.
Protein change: p.Pro248Thr; replaces proline 248 with threonine.
Molecular consequence: missense variant.
Genome position (GRCh38, 1-based): chr1:63,411,987, C>A. VCF-style: chr1-63411987-C-A. GRCh37 (hg19) VCF-style: chr1-63877658-C-A.
Other names: short protein forms P248T.
Identifiers: ClinVar variation 2123388 (VCV002123388.4), dbSNP rs2523750406, ClinGen allele CA340635497.